The following is an entry in ClinVar:

ClinVar aggregate classification (germline): Conflicting classifications of pathogenicity. Review status: criteria provided, conflicting classifications (1 of 4 stars). 2 submissions from 2 submitters: Uncertain significance (1); Likely benign (1). Last evaluated 2023-02-01.

Conditions:
Noonan syndrome 6 (NS6). Also called: NRAS-Related Noonan Syndrome. Identifiers: Orphanet 648, MedGen C2750732, MONDO:0013186, OMIM 613224.

Allele frequency attached by ClinVar (database versions not stated): gnomAD exomes 0.00012; 1000 Genomes Project 30x 0.00016; gnomAD 0.00019; 1000 Genomes Project 0.00020; TOPMed 0.00027.
gnomAD v4.1: 32 of 161,212 alleles (0.02%); highest among the groups gnomAD compares: Middle Eastern, 0.33%; no homozygotes.

Submissions (2):

CeGaT Center for Human Genetics Tuebingen
Classification: Likely benign. Last evaluated: 2023-02-01. Review status: criteria provided, single submitter. Criteria: CeGaT Center For Human Genetics Tuebingen Variant Classification Criteria Version 2. Collection method: clinical testing. Allele origin: germline. Affected: yes. Observed: 3 variant alleles.
Comment: NRAS: BS1

Illumina Laboratory Services, Illumina
Classification: Uncertain significance for Noonan syndrome 6. Last evaluated: 2018-01-13. Review status: criteria provided, single submitter. Criteria: ICSL Variant Classification Criteria 13 December 2019. Collection method: clinical testing. Allele origin: germline.

NM_002524.5(NRAS):c.*111A>G

Gene: NRAS (NRAS proto-oncogene, GTPase; minus strand). Cytogenetic location: 1p13.2.
Variant type: single nucleotide variant.
Coding change: c.*111A>G on transcript NM_002524.5 (MANE Select); 111 bases downstream of the stop codon, A replaced by G.
Molecular consequence: 3 prime UTR variant.
Genome position (GRCh38, 1-based): chr1:114,707,983, T>C on the plus strand (A>G on the coding strand, the complement: NRAS is on the minus strand). VCF-style: chr1-114707983-T-C. GRCh37 (hg19) VCF-style: chr1-115250604-T-C.
Identifiers: ClinVar variation 291975 (VCV000291975.29), dbSNP rs188272768, ClinGen allele CA10607700.